The following is an entry in ClinVar:

NM_001080517.3(SETD5):c.2126A>G (p.Asn709Ser)

Gene: SETD5 (SET domain containing 5; plus strand). Cytogenetic location: 3p25.3.
Variant type: single nucleotide variant.
Coding change: c.2126A>G on transcript NM_001080517.3 (MANE Select); coding-DNA position 2126, A replaced by G.
Protein change: p.Asn709Ser; replaces asparagine 709 with serine.
Molecular consequence: missense variant.
Genome position (GRCh38, 1-based): chr3:9,448,410, A>G. VCF-style: chr3-9448410-A-G. GRCh37 (hg19) VCF-style: chr3-9490094-A-G.
Other names: c.1832A>G, p.Asn611Ser (NM_001292043.2, NM_001349451.2); c.2222A>G, p.Asn741Ser (NM_001437633.1); c.2183A>G, p.Asn728Ser (NM_001437635.1); c.2126A>G, p.Asn709Ser (NM_001437643.1); c.2165A>G, p.Asn722Ser (NM_001437701.1); short protein forms N709S, N728S, N722S, N741S, N611S.
Identifiers: ClinVar variation 4795702 (VCV004795702.1).

ClinVar aggregate classification (germline): Uncertain significance (1 of 4 stars; one submission).

Submission:

GeneDx
Classification: Uncertain significance. Last evaluated: 2025-08-12. Review status: criteria provided, single submitter. Criteria: GeneDx Variant Classification Process June 2021. Collection method: clinical testing. Allele origin: germline. Affected: yes.
Comment: Not observed at significant frequency in large population cohorts (gnomAD); In silico analysis suggests that this missense variant does not alter protein structure/function; Has not been previously published as pathogenic or benign to our knowledge